The following is an entry in ClinVar:

NM_003001.5(SDHC):c.*84G>C

Gene: SDHC (succinate dehydrogenase complex subunit C; plus strand). Cytogenetic location: 1q23.3.
Variant type: single nucleotide variant.
Coding change: c.*84G>C on transcript NM_003001.5 (MANE Select); 84 bases downstream of the stop codon, G replaced by C.
Molecular consequence: 3 prime UTR variant. On other transcripts: missense variant (3).
Genome position (GRCh38, 1-based): chr1:161,362,517, G>C. VCF-style: chr1-161362517-G-C. GRCh37 (hg19) VCF-style: chr1-161332307-G-C.
Other names: c.430G>C, p.Glu144Gln (NM_001035511.3); c.*84G>C (NM_001035512.3, NM_001035513.3, NM_001407115.1 and 5 more transcripts); c.328G>C, p.Glu110Gln (NM_001278172.3); c.373G>C, p.Glu125Gln (NM_001407121.1); short protein forms E144Q, E110Q, E125Q.
Identifiers: ClinVar variation 41773 (VCV000041773.73), dbSNP rs201210474, ClinGen allele CA011488.

ClinVar aggregate classification (germline): Conflicting classifications of pathogenicity. Review status: criteria provided, conflicting classifications (1 of 4 stars). 14 submissions from 14 submitters: Uncertain significance (1); Benign (8); Likely benign (3). 2 of the submissions do not count toward it. Last evaluated 2026-09-01.

Conditions:
Pheochromocytoma/paraganglioma syndrome 3. Also called: Paragangliomas 3; SDHC-Related Hereditary Paraganglioma-Pheochromocytoma Syndrome (Paragangliomas 3); SDHC-Related Hereditary Paraganglioma-Pheochromocytoma Syndrome; GLOMUS TUMORS, FAMILIAL, 3. Identifiers: Orphanet 29072, MedGen C1854336, MONDO:0011544, OMIM 605373.
Gastrointestinal stromal tumor. Also called: Gastrointestinal stromal tumor, somatic; Gastrointestinal stroma tumor. Identifiers: Orphanet 44890, MedGen C0238198, MeSH D046152, MONDO:0011719, OMIM 606764, HP:0100723.
Hereditary cancer-predisposing syndrome. Also called: Neoplastic Syndromes, Hereditary; Hereditary neoplastic syndrome; Hereditary Cancer Syndrome; Tumor predisposition. Identifiers: Orphanet 140162, MedGen C0027672, MeSH D009386, MONDO:0015356.
Hereditary pheochromocytoma and paraganglioma. Also called: Hereditary Paraganglioma-Pheochromocytoma Syndromes; Hereditary paragangliomas and pheochromocytomas; Hereditary pheochromocytoma-paraganglioma. Identifiers: Orphanet 29072, MedGen C4274332, MONDO:0017366.
Pheochromocytoma. Also called: MAX-Related Hereditary Paraganglioma-Pheochromocytoma Syndrome. Identifiers: Orphanet 29072, MedGen C0031511, MONDO:0008233, OMIM 171300, HP:0002666.

Allele frequency attached by ClinVar (database versions not stated): ExAC 0.00513; 1000 Genomes Project 30x 0.00312; gnomAD exomes 0.01149 and 0.00536; ESP Exome Variant Server 0.00604; TOPMed 0.00713; 1000 Genomes Project 0.00280; gnomAD 0.00677 and 0.00703.
gnomAD v4.1: 17,711 of 1,609,238 alleles (1.1%); highest among the groups gnomAD compares: Non-Finnish European, 1.4%; 90 homozygotes.

Submissions (14):

CeGaT Center for Human Genetics Tuebingen
Classification: Benign. Last evaluated: 2026-09-01. Review status: criteria provided, single submitter. Criteria: CeGaT Center For Human Genetics Tuebingen Variant Classification Criteria Version 2. Collection method: clinical testing. Allele origin: germline. Affected: yes. Observed: 101 variant alleles.
Comment: SDHC: PP3, BS1, BS2

Labcorp Genetics (formerly Invitae), Labcorp
Classification: Benign for Pheochromocytoma/paraganglioma syndrome 3; Gastrointestinal stromal tumor. Last evaluated: 2025-11-17. Review status: criteria provided, single submitter. Criteria: Invitae Variant Classification Sherloc (09022015). Collection method: clinical testing. Allele origin: germline.

Center for Genomic Medicine, Rigshospitalet, Copenhagen University Hospital
Classification: Benign. Last evaluated: 2025-03-04. Review status: criteria provided, single submitter. Criteria: ACMG Guidelines, 2015. Collection method: clinical testing. Allele origin: germline.

Blueprint Genetics
Classification: Likely benign. Last evaluated: 2024-11-17. Review status: criteria provided, single submitter. Criteria: ACMG Guidelines, 2015. Collection method: clinical testing. Allele origin: germline.

Institute for Clinical Genetics, University Hospital TU Dresden, University Hospital TU Dresden
Classification: Uncertain significance. Last evaluated: 2021-11-03. Review status: criteria provided, single submitter. Criteria: ACMG Guidelines, 2015. Collection method: clinical testing. Allele origin: germline.

Quest Diagnostics Nichols Institute San Juan Capistrano
Classification: Benign. Last evaluated: 2020-10-29. Review status: criteria provided, single submitter. Criteria: Quest Diagnostics criteria. Collection method: clinical testing. Allele origin: unknown.

Sema4
Classification: Benign for Hereditary cancer-predisposing syndrome. Last evaluated: 2020-10-16. Review status: criteria provided, single submitter. Criteria: Sema4 Curation Guidelines. Collection method: curation. Allele origin: germline.

Eurofins Ntd Llc (ga)
Classification: Likely benign. Last evaluated: 2018-03-07. Review status: criteria provided, single submitter. Criteria: EGL ClinVar v180209 classification definitions. Collection method: clinical testing. Allele origin: germline. Observed: 1 variant allele, 1 heterozygote.

Illumina Laboratory Services, Illumina
Classification: Benign for Hereditary Paraganglioma-Pheochromocytoma Syndromes. Last evaluated: 2018-01-12. Review status: criteria provided, single submitter. Criteria: ICSL Variant Classification Criteria 13 December 2019. Collection method: clinical testing. Allele origin: germline.
Comment: This variant was observed in the ICSL laboratory as part of a predisposition screen in an ostensibly healthy population. It had not been previously curated by ICSL or reported in the Human Gene Mutation Database (HGMD: prior to June 1st, 2018), and was therefore a candidate for classification through an automated scoring system. Utilizing variant allele frequency, disease prevalence and penetrance estimates, and inheritance mode, an automated score was calculated to assess if this variant is too frequent to cause the disease. Based on the score and internal cut-off values, a variant classified as benign is not then subjected to further curation. The score for this variant resulted in a classification of benign for this disease.

CSER _CC_NCGL, University of Washington
Classification: Likely benign for Hereditary paraganglioma-pheochromocytoma syndrome. Last evaluated: 2015-03-11. Review status: criteria provided, single submitter. Criteria: Amendola et al. (Genome Res. 2015). Collection method: research. Allele origin: germline. Inheritance: Autosomal dominant inheritance. Study: CSER - NEXT Medicine variant annotation.

GeneDx
Classification: Benign. Last evaluated: 2015-03-03. Review status: criteria provided, single submitter. Criteria: GeneDx Variant Classification Process June 2021. Collection method: clinical testing. Allele origin: germline. Affected: yes.
Comment: This variant is associated with the following publications: (PMID: 28220018, 24728327)

Genomic Diagnostic Laboratory, Division of Genomic Diagnostics, Children's Hospital of Philadelphia
Classification: Benign for Paragangliomas 3. Last evaluated: 2015-02-16. Review status: criteria provided, single submitter. Criteria: DGD Variant Analysis Guidelines. Collection method: clinical testing. Allele origin: unknown.

ITMI
No classification provided. Condition: AllHighlyPenetrant. Last evaluated: 2013-09-19. Review status: no classification provided. Collection method: reference population. Allele origin: germline. Not counted in ClinVar's aggregate classification.
Comment: Please see associated publication for description of ethnicities

Biesecker Lab/Clinical Genomics Section, National Institutes of Health
Classification: Benign. Last evaluated: 2012-07-13. Review status: no assertion criteria provided. Collection method: research. Allele origin: germline. Affected: no. Observed: 8 variant alleles. Study: ClinSeq. Not counted in ClinVar's aggregate classification.
ClinVar note: Converted during submission from no known pathogenicity to Benign.

Literature cited by the submitters: PubMed 24728327 (cited by ITMI).